The following is an entry in ClinVar:

NM_145166.4(ZBTB47):c.2124C>T (p.His708=)

Gene: ZBTB47 (zinc finger and BTB domain containing 47; plus strand). Cytogenetic location: 3p22.1.
Variant type: single nucleotide variant.
Coding change: c.2124C>T on transcript NM_145166.4 (MANE Select); coding-DNA position 2124, C replaced by T.
Protein change: p.His708=; no amino-acid change (histidine 708 retained).
Molecular consequence: synonymous variant.
Genome position (GRCh38, 1-based): chr3:42,664,478, C>T. VCF-style: chr3-42664478-C-T. GRCh37 (hg19) VCF-style: chr3-42705970-C-T.
Other names: c.2208C>T, p.His736= (NM_001410746.1).
Identifiers: ClinVar variation 2653711 (VCV002653711.24), dbSNP rs769598651, ClinGen allele CA2336530.

ClinVar aggregate classification (germline): Likely benign (1 of 4 stars; one submission).

Allele frequency attached by ClinVar (database versions not stated): TOPMed 0.00012; gnomAD 0.00013; ExAC 0.00090.
gnomAD v4.1: 149 of 1,509,348 alleles (0.0099%); highest among the groups gnomAD compares: South Asian, 0.005%; 2 homozygotes.

Submission:

CeGaT Center for Human Genetics Tuebingen
Classification: Likely benign. Last evaluated: 2023-01-01. Review status: criteria provided, single submitter. Criteria: CeGaT Center For Human Genetics Tuebingen Variant Classification Criteria Version 2. Collection method: clinical testing. Allele origin: germline. Affected: yes. Observed: 1 variant allele.
Comment: ZBTB47: BP4, BP7